The following is an entry in ClinVar:

NM_182760.4(SUMF1):c.43G>T (p.Glu15Ter)

Gene: SUMF1 (sulfatase modifying factor 1; minus strand). Cytogenetic location: 3p26.1.
Variant type: single nucleotide variant.
Coding change: c.43G>T on transcript NM_182760.4 (MANE Select); coding-DNA position 43, G replaced by T.
Protein change: p.Glu15Ter; replaces glutamic acid 15 with a stop codon.
Molecular consequence: nonsense.
Genome position (GRCh38, 1-based): chr3:4,467,203, C>A on the plus strand (G>T on the coding strand, the complement: SUMF1 is on the minus strand). VCF-style: chr3-4467203-C-A. GRCh37 (hg19) VCF-style: chr3-4508887-C-A.
Other names: c.43G>T, p.Glu15Ter (NM_001164674.2, NM_001164675.2); short protein forms E15*.
Identifiers: ClinVar variation 1072766 (VCV001072766.6), dbSNP rs1350782911, ClinGen allele CA351794676.
Genomic context (GRCh38, chr3:4,467,203, plus strand): 5'-GGCTCCCTGCCGCTCCACACAGCAGCGAGAGCAGCAGCAGCAAGAGGACGAGACCCAGCT[C>A]AGGGCAACGTCCACACACCAGCCCTAGTGCGGGCGCAGCCATGTTGTCCCGCGGGCCATG-3'

ClinVar aggregate classification (germline): Pathogenic/Likely pathogenic. Review status: criteria provided, multiple submitters, no conflicts (2 of 4 stars). 2 submissions from 2 submitters: Pathogenic (1); Likely pathogenic (1). Last evaluated 2022-09-19.

Conditions:
Multiple sulfatase deficiency (MSD). Also called: Mucosulfatidosis; Multiple Sulfatase Deficiency Disease; Sulfatidosis, Juvenile, Austin Type. Identifiers: Orphanet 585, MedGen C0268263, MONDO:0010088, OMIM 272200.

gnomAD v4.1: 1 of 1,611,608 alleles (0.000062%); highest among the groups gnomAD compares: Non-Finnish European, 0.000085%; no homozygotes.

Submissions (2):

Labcorp Genetics (formerly Invitae), Labcorp
Classification: Pathogenic for Multiple sulfatase deficiency. Last evaluated: 2022-09-19. Review status: criteria provided, single submitter. Criteria: Invitae Variant Classification Sherloc (09022015). Collection method: clinical testing. Allele origin: germline.
Comment: For these reasons, this variant has been classified as Pathogenic. ClinVar contains an entry for this variant (Variation ID: 1072766). This variant has not been reported in the literature in individuals affected with SUMF1-related conditions. This variant is not present in population databases (gnomAD no frequency). This sequence change creates a premature translational stop signal (p.Glu15*) in the SUMF1 gene. It is expected to result in an absent or disrupted protein product. Loss-of-function variants in SUMF1 are known to be pathogenic (PMID: 12757705, 12757706, 25885655).

Kariminejad - Najmabadi Pathology & Genetics Center
Classification: Likely pathogenic for Multiple sulfatase deficiency. Review status: criteria provided, single submitter. Criteria: ACMG Guidelines, 2015. Collection method: clinical testing. Allele origin: germline. Affected: no.

Literature cited by the submitters: PubMed 12757705 (cited by Labcorp Genetics (formerly Invitae), Labcorp); PubMed 12757706 (cited by Labcorp Genetics (formerly Invitae), Labcorp); PubMed 25885655 (cited by Labcorp Genetics (formerly Invitae), Labcorp).